The following is an entry in ClinVar:

ClinVar aggregate classification (germline): Uncertain significance (1 of 4 stars; one submission).

gnomAD v4.1: 1 of 1,613,048 alleles (0.000062%); highest among the groups gnomAD compares: Non-Finnish European, 0.000085%; no homozygotes.

Submission:

GeneDx
Classification: Uncertain significance. Last evaluated: 2024-12-15. Review status: criteria provided, single submitter. Criteria: GeneDx Variant Classification Process June 2021. Collection method: clinical testing. Allele origin: germline. Affected: yes.
Comment: Not observed at significant frequency in large population cohorts (gnomAD); In silico analysis indicates that this missense variant does not alter protein structure/function; Has not been previously published as pathogenic or benign to our knowledge

NM_005157.6(ABL1):c.2855G>A (p.Gly952Glu)

Gene: ABL1 (ABL proto-oncogene 1, non-receptor tyrosine kinase; plus strand). Cytogenetic location: 9q34.12.
Variant type: single nucleotide variant.
Coding change: c.2855G>A on transcript NM_005157.6 (MANE Select); coding-DNA position 2855, G replaced by A.
Protein change: p.Gly952Glu; replaces glycine 952 with glutamic acid.
Molecular consequence: missense variant.
Genome position (GRCh38, 1-based): chr9:130,885,145, G>A. VCF-style: chr9-130885145-G-A. GRCh37 (hg19) VCF-style: chr9-133760532-G-A.
Other names: c.2912G>A, p.Gly971Glu (NM_007313.3); short protein forms G952E, G971E.
Identifiers: ClinVar variation 3902957 (VCV003902957.1).